The following is an entry in ClinVar:

NM_004655.4(AXIN2):c.72C>T (p.Pro24=)

Gene: AXIN2 (axin 2; minus strand). Cytogenetic location: 17q24.1.
Variant type: single nucleotide variant.
Coding change: c.72C>T on transcript NM_004655.4 (MANE Select); coding-DNA position 72, C replaced by T.
Protein change: p.Pro24=; no amino-acid change (proline 24 retained).
Molecular consequence: synonymous variant.
Genome position (GRCh38, 1-based): chr17:65,558,549, G>A on the plus strand (C>T on the coding strand, the complement: AXIN2 is on the minus strand). VCF-style: chr17-65558549-G-A. GRCh37 (hg19) VCF-style: chr17-63554667-G-A.
Other names: c.72C>T, p.Pro24= (NM_001363813.1).
Identifiers: ClinVar variation 757126 (VCV000757126.14), dbSNP rs1598120407, ClinGen allele CA501691663.

ClinVar aggregate classification (germline): Benign/Likely benign. Review status: criteria provided, multiple submitters, no conflicts (2 of 4 stars). 3 submissions from 3 submitters: Benign (1); Likely benign (2). Last evaluated 2025-06-04.

Conditions:
Hereditary cancer-predisposing syndrome. Also called: Hereditary Cancer Syndrome; Hereditary neoplastic syndrome; Neoplastic Syndromes, Hereditary; Tumor predisposition. Identifiers: Orphanet 140162, MedGen C0027672, MeSH D009386, MONDO:0015356.
Oligodontia-cancer predisposition syndrome. Also called: TOOTH AGENESIS-COLORECTAL CANCER SYNDROME. Identifiers: Orphanet 300576, MedGen C1837750, MONDO:0012075, OMIM 608615. Disease mechanism: loss of function.

Allele frequency attached by ClinVar (database versions not stated): gnomAD exomes below 0.00001; gnomAD 0.00001.
gnomAD v4.1: 4 of 1,613,422 alleles (0.00025%); highest among the groups gnomAD compares: Non-Finnish European, 0.00025%; no homozygotes.

Submissions (3):

Labcorp Genetics (formerly Invitae), Labcorp
Classification: Likely benign for Oligodontia-cancer predisposition syndrome. Last evaluated: 2025-06-04. Review status: criteria provided, single submitter. Criteria: Invitae Variant Classification Sherloc (09022015). Collection method: clinical testing. Allele origin: germline.

Myriad Genetics, Inc.
Classification: Benign for Oligodontia-cancer predisposition syndrome. Last evaluated: 2024-06-25. Review status: criteria provided, single submitter. Criteria: Myriad Autosomal Dominant, Autosomal Recessive and X-Linked Classification Criteria (2023). Collection method: clinical testing. Allele origin: unknown.
Comment: This variant is considered benign. This variant is a silent/synonymous amino acid change and it is not expected to impact splicing.

Ambry Genetics
Classification: Likely benign for Hereditary cancer-predisposing syndrome. Last evaluated: 2020-10-07. Review status: criteria provided, single submitter. Criteria: Ambry Variant Classification Scheme 2023. Collection method: clinical testing. Allele origin: germline.